The following is an entry in ClinVar:

NM_000053.4(ATP7B):c.3982G>A (p.Ala1328Thr)

Gene: ATP7B (ATPase copper transporting beta; minus strand). Cytogenetic location: 13q14.3.
Variant type: single nucleotide variant.
Coding change: c.3982G>A on transcript NM_000053.4 (MANE Select); coding-DNA position 3982, G replaced by A.
Protein change: p.Ala1328Thr; replaces alanine 1328 with threonine.
Molecular consequence: missense variant.
Genome position (GRCh38, 1-based): chr13:51,937,315, C>T on the plus strand (G>A on the coding strand, the complement: ATP7B is on the minus strand). VCF-style: chr13-51937315-C-T. GRCh37 (hg19) VCF-style: chr13-52511451-C-T.
Other names: c.3649G>A, p.Ala1217Thr (NM_001243182.2); c.3748G>A, p.Ala1250Thr (NM_001330578.2); c.3730G>A, p.Ala1244Thr (NM_001330579.2); c.3361G>A, p.Ala1121Thr (NM_001005918.3); short protein forms A1121T, A1217T, A1244T, A1250T, A1328T.
Identifiers: ClinVar variation 996243 (VCV000996243.3), dbSNP rs1333619338, ClinGen allele CA388020952.

ClinVar aggregate classification (germline): Conflicting classifications of pathogenicity. Review status: criteria provided, conflicting classifications (1 of 4 stars). 2 submissions from 2 submitters: Likely pathogenic (1); Uncertain significance (1). Last evaluated 2025-10-07.

Conditions:
Wilson disease (WND). Also called: Wilson's disease. Identifiers: Orphanet 905, MedGen C0019202, MONDO:0010200, OMIM 277900. Disease mechanism: loss of function.

Allele frequency attached by ClinVar (database versions not stated): gnomAD exomes below 0.00001; TOPMed below 0.00001.
gnomAD v4.1: 2 of 1,614,174 alleles (0.00012%); highest among the groups gnomAD compares: South Asian, 0.0011%; no homozygotes.

Submissions (2):

Natera, Inc.
Classification: Likely pathogenic for Wilson disease. Last evaluated: 2025-10-07. Review status: criteria provided, single submitter. Criteria: Natera Variant Classification Schema (03/2026). Collection method: clinical testing. Allele origin: germline.
Comment: The c.3982G>A variant in ATP7B is a missense variant predicted to cause substitution of alanine to threonine at amino acid 1328. This variant is rare in the general population with a frequency below the threshold expected for the associated phenotype(s). This variant has been observed in one or more individuals affected with the associated recessive disease, as either homozygous or compound heterozygous with a second variant (PMID: 35220961, 27398169). Computational prediction algorithms indicate this variant is likely to affect gene or protein function. Given the available evidence, this variant is classified as Likely Pathogenic.

Women's Health and Genetics/Laboratory Corporation of America, LabCorp
Classification: Uncertain significance. Last evaluated: 2021-01-25. Review status: criteria provided, single submitter. Criteria: LabCorp Variant Classification Summary - May 2015. Collection method: clinical testing. Allele origin: germline.
Comment: Variant summary: ATP7B c.3982G>A (p.Ala1328Thr) results in a non-conservative amino acid change in the encoded protein sequence. Five of five in-silico tools predict a damaging effect of the variant on protein function. The variant was absent in 249578 control chromosomes (gnomAD). The available data on variant occurrences in the general population are insufficient to allow any conclusion about variant significance. c.3982G>A has been reported in the literature in Chinese individuals affected with Wilson Disease (Davies_2008, Hua_2016, Dong_2016, Zhang_2016, Cheng_2017), however these studies did not provide detailed genotypic information of the patients with the variant (i.e. the presence- and phase of co-occurring variants were not specified in most of these reports, and cosegregation with the disease was not reported). Therefore, these data do not allow clear conclusions about variant significance. To our knowledge, no experimental evidence demonstrating an impact on protein function has been reported. Missense variants in nearby residues (R1320S, I1321K, R1322P, N1324S, L1327V/P, L1329P, Y1331C/S, N1332D/K, V1334D, G1335R, I1336T) have been reported in patients affected with Wilson disease (HGMD), supporting the functional importance of this protein region. No clinical diagnostic laboratories have submitted clinical-significance assessments for this variant to ClinVar after 2014. Based on the evidence outlined above, the variant was classified as VUS-possibly pathogenic.

Literature cited by the submitters: PubMed 35220961 (cited by Natera, Inc.); PubMed 27398169 (cited by Natera, Inc. and Women's Health and Genetics/Laboratory Corporation of America, LabCorp); PubMed 18373411 (cited by Women's Health and Genetics/Laboratory Corporation of America, LabCorp); PubMed 20465995 (cited by Women's Health and Genetics/Laboratory Corporation of America, LabCorp); PubMed 22692182 (cited by Women's Health and Genetics/Laboratory Corporation of America, LabCorp); PubMed 27022412 (cited by Women's Health and Genetics/Laboratory Corporation of America, LabCorp); PubMed 27982432 (cited by Women's Health and Genetics/Laboratory Corporation of America, LabCorp); PubMed 27706781 (cited by Women's Health and Genetics/Laboratory Corporation of America, LabCorp); PubMed 31751128 (cited by Women's Health and Genetics/Laboratory Corporation of America, LabCorp); PubMed 31059521 (cited by Women's Health and Genetics/Laboratory Corporation of America, LabCorp).